The following is an entry in ClinVar:

ClinVar aggregate classification (germline): Pathogenic (1 of 4 stars; one submission).

Conditions:
Hereditary spastic paraplegia 11. Also called: Spastic Paraplegia 11; Spastic paraplegia, mental retardation and thin corpus callosum; Nakamura Osame syndrome; Autosomal recessive hereditary spastic paraplegia, mental impairment, and thin corpus callosum; SPASTIC PARAPLEGIA, AUTOSOMAL RECESSIVE, COMPLICATED, WITH THIN CORPUS CALLOSUM; SPASTIC PARAPLEGIA, AUTOSOMAL RECESSIVE, WITH MENTAL IMPAIRMENT AND THIN CORPUS CALLOSUM. Identifiers: Orphanet 2822, MedGen C1858479, MONDO:0011445, OMIM 604360.

gnomAD v4.1: 2 of 1,613,348 alleles (0.00012%); highest among the groups gnomAD compares: Non-Finnish European, 0.00017%; no homozygotes.

Submission:

Labcorp Genetics (formerly Invitae), Labcorp
Classification: Pathogenic for Hereditary spastic paraplegia 11. Last evaluated: 2022-03-15. Review status: criteria provided, single submitter. Criteria: Invitae Variant Classification Sherloc (09022015). Collection method: clinical testing. Allele origin: germline.
Comment: This sequence change creates a premature translational stop signal (p.Tyr1012*) in the SPG11 gene. It is expected to result in an absent or disrupted protein product. Loss-of-function variants in SPG11 are known to be pathogenic (PMID: 19105190, 20110243, 22154821, 26556829). This variant is not present in population databases (gnomAD no frequency). This premature translational stop signal has been observed in individual(s) with hereditary spastic paraplegia (PMID: 28119845). Algorithms developed to predict the effect of sequence changes on RNA splicing suggest that this variant may disrupt the consensus splice site. For these reasons, this variant has been classified as Pathogenic.

Literature cited by the submitters: PubMed 19105190; PubMed 20110243; PubMed 22154821; PubMed 26556829; PubMed 28119845.

NM_025137.4(SPG11):c.3036C>G (p.Tyr1012Ter)

Gene: SPG11 (SPG11 vesicle trafficking associated, spatacsin; minus strand). Cytogenetic location: 15q21.1.
Variant type: single nucleotide variant.
Coding change: c.3036C>G on transcript NM_025137.4 (MANE Select); coding-DNA position 3036, C replaced by G.
Protein change: p.Tyr1012Ter; replaces tyrosine 1012 with a stop codon.
Molecular consequence: nonsense.
Genome position (GRCh38, 1-based): chr15:44,615,365, G>C on the plus strand (C>G on the coding strand, the complement: SPG11 is on the minus strand). VCF-style: chr15-44615365-G-C. GRCh37 (hg19) VCF-style: chr15-44907563-G-C.
Other names: c.3036C>G, p.Tyr1012Ter (NM_001160227.2, NM_001411132.1); short protein forms Y1012*.
Identifiers: ClinVar variation 2112330 (VCV002112330.4), dbSNP rs2083566245, ClinGen allele CA392229011.